The following is an entry in ClinVar:

ClinVar aggregate classification (germline): Uncertain significance. Review status: criteria provided, multiple submitters, no conflicts (2 of 4 stars). 2 submissions from 2 submitters: Uncertain significance (2). Last evaluated 2024-04-23.

Allele frequency attached by ClinVar (database versions not stated): gnomAD exomes 0.00001; ExAC 0.00002.
gnomAD v4.1: 17 of 1,609,348 alleles (0.0011%); highest among the groups gnomAD compares: Non-Finnish European, 0.0013%; no homozygotes.

Submissions (2):

GeneDx
Classification: Uncertain significance. Last evaluated: 2024-04-23. Review status: criteria provided, single submitter. Criteria: GeneDx Variant Classification Process June 2021. Collection method: clinical testing. Allele origin: germline. Affected: yes.
Comment: Not observed at significant frequency in large population cohorts (gnomAD); In silico analysis indicates that this variant does not alter splicing; Has not been previously published as pathogenic or benign to our knowledge

Labcorp Genetics (formerly Invitae), Labcorp
Classification: Uncertain significance. Last evaluated: 2022-05-07. Review status: criteria provided, single submitter. Criteria: Invitae Variant Classification Sherloc (09022015). Collection method: clinical testing. Allele origin: germline.
Comment: This sequence change falls in intron 22 of the MME gene. It does not directly change the encoded amino acid sequence of the MME protein. This variant is present in population databases (rs200862885, gnomAD 0.003%). This variant has not been reported in the literature in individuals affected with MME-related conditions. Algorithms developed to predict the effect of sequence changes on RNA splicing suggest that this variant may disrupt the consensus splice site. In summary, the available evidence is currently insufficient to determine the role of this variant in disease. Therefore, it has been classified as a Variant of Uncertain Significance.

NM_007289.4(MME):c.2154-12T>G

Gene: MME (membrane metalloendopeptidase; plus strand). Cytogenetic location: 3q25.2.
Variant type: single nucleotide variant.
Coding change: c.2154-12T>G on transcript NM_007289.4 (MANE Select); 12 bases into the intron before coding-DNA position 2154, T replaced by G.
Molecular consequence: intron variant.
Genome position (GRCh38, 1-based): chr3:155,180,348, T>G. VCF-style: chr3-155180348-T-G. GRCh37 (hg19) VCF-style: chr3-154898137-T-G.
Other names: c.2154-12T>G (NM_001354642.2, NM_000902.5, NM_007287.4 and 2 more transcripts).
Identifiers: ClinVar variation 1906981 (VCV001906981.3), dbSNP rs200862885, ClinGen allele CA2675779.